The following is an entry in ClinVar:

NM_005618.4(DLL1):c.1288C>T (p.Arg430Cys)

Gene: DLL1 (delta like canonical Notch ligand 1; minus strand). Cytogenetic location: 6q27.
Variant type: single nucleotide variant.
Coding change: c.1288C>T on transcript NM_005618.4 (MANE Select); coding-DNA position 1288, C replaced by T.
Protein change: p.Arg430Cys; replaces arginine 430 with cysteine.
Molecular consequence: missense variant.
Genome position (GRCh38, 1-based): chr6:170,283,991, G>A on the plus strand (C>T on the coding strand, the complement: DLL1 is on the minus strand). VCF-style: chr6-170283991-G-A. GRCh37 (hg19) VCF-style: chr6-170593079-G-A.
Other names: short protein forms R430C.
Identifiers: ClinVar variation 3502435 (VCV003502435.3).

ClinVar aggregate classification (germline): Uncertain significance. Review status: criteria provided, multiple submitters, no conflicts (2 of 4 stars). 2 submissions from 2 submitters: Uncertain significance (2). Last evaluated 2024-10-09.

Conditions:
Inborn genetic diseases. Identifiers: MedGen C0950123, MeSH D030342.

gnomAD v4.1: 16 of 1,576,696 alleles (0.001%); highest among the groups gnomAD compares: African/African-American, 0.0028%; no homozygotes.

Submissions (2):

Ambry Genetics
Classification: Uncertain significance for Inborn genetic diseases. Last evaluated: 2024-10-09. Review status: criteria provided, single submitter. Criteria: Ambry Variant Classification Scheme 2023. Collection method: clinical testing. Allele origin: germline.

Labcorp Genetics (formerly Invitae), Labcorp
Classification: Uncertain significance. Last evaluated: 2024-07-03. Review status: criteria provided, single submitter. Criteria: Invitae Variant Classification Sherloc (09022015). Collection method: clinical testing. Allele origin: germline.
Comment: This sequence change replaces arginine, which is basic and polar, with cysteine, which is neutral and slightly polar, at codon 430 of the DLL1 protein (p.Arg430Cys). The frequency data for this variant in the population databases is considered unreliable, as metrics indicate poor data quality at this position in the gnomAD database. This variant has not been reported in the literature in individuals affected with DLL1-related conditions. An algorithm developed to predict the effect of missense changes on protein structure and function (PolyPhen-2) suggests that this variant is likely to be disruptive. In summary, the available evidence is currently insufficient to determine the role of this variant in disease. Therefore, it has been classified as a Variant of Uncertain Significance.